The following is an entry in ClinVar:

ClinVar aggregate classification (germline): Uncertain significance (1 of 4 stars; one submission).

Submission:

Ambry Genetics
Classification: Uncertain significance. Last evaluated: 2023-05-31. Review status: criteria provided, single submitter. Criteria: Ambry Variant Classification Scheme 2023. Collection method: clinical testing. Allele origin: germline.
Comment: The p.Q2119R variant (also known as c.6356A>G), located in coding exon 20 of the POLQ gene, results from an A to G substitution at nucleotide position 6356. The glutamine at codon 2119 is replaced by arginine, an amino acid with highly similar properties. This amino acid position is conserved. In addition, this alteration is predicted to be tolerated by in silico analysis. Since supporting evidence is limited at this time, the clinical significance of this alteration remains unclear.

NM_199420.4(POLQ):c.6356A>G (p.Gln2119Arg)

Gene: POLQ (DNA polymerase theta; minus strand). Cytogenetic location: 3q13.33.
Variant type: single nucleotide variant.
Coding change: c.6356A>G on transcript NM_199420.4 (MANE Select); coding-DNA position 6356, A replaced by G.
Protein change: p.Gln2119Arg; replaces glutamine 2119 with arginine.
Molecular consequence: missense variant.
Genome position (GRCh38, 1-based): chr3:121,476,589, T>C on the plus strand (A>G on the coding strand, the complement: POLQ is on the minus strand). VCF-style: chr3-121476589-T-C. GRCh37 (hg19) VCF-style: chr3-121195436-T-C.
Other names: short protein forms Q2119R.
Identifiers: ClinVar variation 2563885 (VCV002563885.2), dbSNP rs2546777115, ClinGen allele CA354086874.